The following is an entry in ClinVar:

ClinVar aggregate classification (germline): Uncertain significance (1 of 4 stars; one submission).

Conditions:
Hereditary cancer-predisposing syndrome. Also called: Tumor predisposition; Hereditary Cancer Syndrome; Hereditary neoplastic syndrome; Neoplastic Syndromes, Hereditary. Identifiers: Orphanet 140162, MedGen C0027672, MeSH D009386, MONDO:0015356.

Submission:

Ambry Genetics
Classification: Uncertain significance for Hereditary cancer-predisposing syndrome. Last evaluated: 2025-11-18. Review status: criteria provided, single submitter. Criteria: Ambry Variant Classification Scheme 2023. Collection method: clinical testing. Allele origin: germline.
Comment: The p.R712S variant (also known as c.2136G>T), located in coding exon 19 of the TSC2 gene, results from a G to T substitution at nucleotide position 2136. The arginine at codon 712 is replaced by serine, an amino acid with dissimilar properties. This amino acid position is conserved. In addition, the in silico prediction for this alteration is inconclusive. Based on the available evidence, the clinical significance of this variant remains unclear.

NM_000548.5(TSC2):c.2136G>T (p.Arg712Ser)

Gene: TSC2 (TSC complex subunit 2; plus strand). Cytogenetic location: 16p13.3.
Variant type: single nucleotide variant.
Coding change: c.2136G>T on transcript NM_000548.5 (MANE Select); coding-DNA position 2136, G replaced by T.
Protein change: p.Arg712Ser; replaces arginine 712 with serine.
Molecular consequence: missense variant. On other transcripts: non-coding transcript variant (5).
Genome position (GRCh38, 1-based): chr16:2,072,279, G>T. VCF-style: chr16-2072279-G-T. GRCh37 (hg19) VCF-style: chr16-2122280-G-T.
Other names: c.2136G>T, p.Arg712Ser (NM_001077183.3, NM_001114382.3, NM_001363528.2 and 6 more transcripts); c.2025G>T, p.Arg675Ser (NM_001318827.2, NM_001406670.1, NM_001406678.1); c.1989G>T, p.Arg663Ser (NM_001318829.2, NM_001406675.1, NM_001406676.1 and 1 more transcripts); c.1536G>T, p.Arg512Ser (NM_001318831.2, NM_001406680.1, NM_001406682.1 and 6 more transcripts); c.2169G>T, p.Arg723Ser (NM_001318832.2); c.2226G>T, p.Arg742Ser (NM_001406667.1, NM_001406668.1); c.2124G>T, p.Arg708Ser (NM_001406671.1, NM_001406673.1); c.2079G>T, p.Arg693Ser (NM_001406677.1); and 3 more; short protein forms R742S, R512S, R663S, R264S, R558S, R675S, R178S, R693S.
Identifiers: ClinVar variation 4557397 (VCV004557397.1).